The following is an entry in ClinVar:

NM_001001433.3(STX16):c.557-7G>C

Genes: STX16 (syntaxin 16; plus strand), STX16-NPEPL1 (STX16-NPEPL1 readthrough (NMD candidate); plus strand). Cytogenetic location: 20q13.32.
Variant type: single nucleotide variant.
Coding change: c.557-7G>C on transcript NM_001001433.3 (MANE Select); 7 bases into the intron before coding-DNA position 557, G replaced by C.
Molecular consequence: intron variant.
Genome position (GRCh38, 1-based): chr20:58,670,505, G>C. VCF-style: chr20-58670505-G-C. GRCh37 (hg19) VCF-style: chr20-57245561-G-C.
Other names: c.545-7G>C (NM_001134772.3); c.506-7G>C (NM_001134773.3); c.494-7G>C (NM_003763.6); c.398-7G>C (NM_001204868.2).
Identifiers: ClinVar variation 339051 (VCV000339051.52), dbSNP rs41276952, ClinGen allele CA9925366.

ClinVar aggregate classification (germline): Benign/Likely benign. Review status: criteria provided, multiple submitters, no conflicts (2 of 4 stars). 4 submissions from 4 submitters: Benign (2); Likely benign (2). Last evaluated 2026-03-01.

Conditions:
Pseudohypoparathyroidism type 1B (PHP1B). Also called: PHP IB; Pseudohypoparathyroidism Ib (PHP-Ib); Pseudohypoparathyroidism Type IB. Identifiers: Orphanet 94089, MedGen C1864100, MONDO:0011301, OMIM 603233.

Allele frequency attached by ClinVar (database versions not stated): 1000 Genomes Project 30x 0.00312; 1000 Genomes Project 0.00339; gnomAD 0.00517 and 0.00533; TOPMed 0.00543; ExAC 0.00572; gnomAD exomes 0.00602 and 0.00672; ESP Exome Variant Server 0.00638.
gnomAD v4.1: 10,673 of 1,603,086 alleles (0.67%); highest among the groups gnomAD compares: Middle Eastern, 2.8%; 73 homozygotes.

Submissions (4):

CeGaT Center for Human Genetics Tuebingen
Classification: Likely benign. Last evaluated: 2026-03-01. Review status: criteria provided, single submitter. Criteria: CeGaT Center For Human Genetics Tuebingen Variant Classification Criteria Version 2. Collection method: clinical testing. Allele origin: germline. Affected: yes. Observed: 6 variant alleles.
Comment: STX16: BP4, BS2

Labcorp Genetics (formerly Invitae), Labcorp
Classification: Benign. Last evaluated: 2026-01-30. Review status: criteria provided, single submitter. Criteria: Invitae Variant Classification Sherloc (09022015). Collection method: clinical testing. Allele origin: germline.

Illumina Laboratory Services, Illumina
Classification: Benign for Pseudohypoparathyroidism type 1B. Last evaluated: 2018-01-13. Review status: criteria provided, single submitter. Criteria: ICSL Variant Classification Criteria 13 December 2019. Collection method: clinical testing. Allele origin: germline.
Comment: This variant was observed in the ICSL laboratory as part of a predisposition screen in an ostensibly healthy population. It had not been previously curated by ICSL or reported in the Human Gene Mutation Database (HGMD: prior to June 1st, 2018), and was therefore a candidate for classification through an automated scoring system. Utilizing variant allele frequency, disease prevalence and penetrance estimates, and inheritance mode, an automated score was calculated to assess if this variant is too frequent to cause the disease. Based on the score and internal cut-off values, a variant classified as benign is not then subjected to further curation. The score for this variant resulted in a classification of benign for this disease.

Breakthrough Genomics
Classification: Likely benign. Review status: criteria provided, single submitter. Criteria: ACMG Guidelines, 2015. Collection method: not provided. Allele origin: germline. Inheritance: Autosomal dominant inheritance. Affected: yes.